The following is an entry in ClinVar:

NM_001330078.2(NRXN1):c.162G>A (p.Met54Ile)

Gene: NRXN1 (neurexin 1; minus strand). Cytogenetic location: 2p16.3.
Variant type: single nucleotide variant.
Coding change: c.162G>A on transcript NM_001330078.2 (MANE Select); coding-DNA position 162, G replaced by A.
Protein change: p.Met54Ile; replaces methionine 54 with isoleucine.
Molecular consequence: missense variant.
Genome position (GRCh38, 1-based): chr2:51,028,112, C>T on the plus strand (G>A on the coding strand, the complement: NRXN1 is on the minus strand). VCF-style: chr2-51028112-C-T. GRCh37 (hg19) VCF-style: chr2-51255250-C-T.
Other names: c.162G>A, p.Met54Ile (NM_001135659.3, NM_001330077.2, NM_001330079.2 and 15 more transcripts); short protein forms M54I.
Identifiers: ClinVar variation 375625 (VCV000375625.5), dbSNP rs1057519409, ClinGen allele CA16044393.
Genomic context (GRCh38, chr2:51,028,112, plus strand): 5'-GCCCTCGTCGTCGAAGTAGAGCACGAGGCCGCGGGCGCTGCGAGTCTTGAGCTGGAAGCT[C>T]ATCTCGCTCTCGCAGCAGGCGTTCCACTTGGGGAAGCGCGTCCATTGGCCCTCGGCGCCC-3'
Protein context (NP_001317007.1, residues 44-64): PKWNACCESE[Met54Ile]SFQLKTRSAR

ClinVar aggregate classification (germline): Uncertain significance. Review status: criteria provided, single submitter (1 of 4 stars). 2 submissions from 2 submitters: Uncertain significance (1). 1 of the submissions does not count toward it. Last evaluated 2023-05-23.

Conditions:
Ovarian dysgenesis 3 (ODG3). Identifiers: Orphanet 243, MedGen C3280471, MONDO:0013689, OMIM 614324.
Pitt-Hopkins-like syndrome 2 (PTHSL2). Identifiers: Orphanet 221150, Orphanet 600663, MedGen C3280479, MONDO:0013690, OMIM 614325.

Allele frequency attached by ClinVar (database versions not stated): gnomAD 0.00001; gnomAD exomes 0.00001; TOPMed 0.00014.
gnomAD v4.1: 12 of 1,576,870 alleles (0.00076%); highest among the groups gnomAD compares: Admixed American, 0.012%; no homozygotes.

Submissions (2):

Labcorp Genetics (formerly Invitae), Labcorp
Classification: Uncertain significance for Pitt-Hopkins-like syndrome 2. Last evaluated: 2023-05-23. Review status: criteria provided, single submitter. Criteria: Invitae Variant Classification Sherloc (09022015). Collection method: clinical testing. Allele origin: germline.
Comment: In summary, the available evidence is currently insufficient to determine the role of this variant in disease. Therefore, it has been classified as a Variant of Uncertain Significance. An algorithm developed to predict the effect of missense changes on protein structure and function (PolyPhen-2) suggests that this variant¬† is likely to be tolerated. ClinVar contains an entry for this variant (Variation ID: 375625). This variant has not been reported in the literature in individuals affected with NRXN1-related conditions. This variant is present in population databases (no rsID available, gnomAD 0.01%). This sequence change replaces methionine, which is neutral and non-polar, with isoleucine, which is neutral and non-polar, at codon 54 of the NRXN1 protein (p.Met54Ile).

Centre de Biologie Pathologie Génétique, Centre Hospitalier Universitaire de Lille
Classification: Likely benign for Ovarian dysgenesis 3. Review status: no assertion criteria provided. Collection method: clinical testing. Allele origin: paternal. Inheritance: Autosomal dominant inheritance. Affected: no. Observed: 1 variant allele, 1 heterozygote. Not counted in ClinVar's aggregate classification.